The following is an entry in ClinVar:

NM_001130987.2(DYSF):c.5713A>G (p.Asn1905Asp)

Gene: DYSF (dysferlin; plus strand). Cytogenetic location: 2p13.2.
Variant type: single nucleotide variant.
Coding change: c.5713A>G on transcript NM_001130987.2 (MANE Select); coding-DNA position 5713, A replaced by G.
Protein change: p.Asn1905Asp; replaces asparagine 1905 with aspartic acid.
Molecular consequence: missense variant.
Genome position (GRCh38, 1-based): chr2:71,669,675, A>G. VCF-style: chr2-71669675-A-G. GRCh37 (hg19) VCF-style: chr2-71896805-A-G.
Other names: c.5599A>G, p.Asn1867Asp (NM_001130455.2); c.5554A>G, p.Asn1852Asp (NM_001130976.2); c.5617A>G, p.Asn1873Asp (NM_001130977.2); c.5659A>G, p.Asn1887Asp (NM_001130978.2); c.5689A>G, p.Asn1897Asp (NM_001130979.2); c.5647A>G, p.Asn1883Asp (NM_001130980.2); c.5710A>G, p.Asn1904Asp (NM_001130981.2); c.5692A>G, p.Asn1898Asp (NM_001130982.2); and 5 more; short protein forms N1852D, N1853D, N1866D, N1867D, N1873D, N1874D, N1883D, N1884D.
Identifiers: ClinVar variation 1056552 (VCV001056552.10), dbSNP rs2152956597, ClinGen allele CA347223782.

ClinVar aggregate classification (germline): Uncertain significance (1 of 4 stars; one submission).

Conditions:
Neuromuscular disease caused by qualitative or quantitative defects of dysferlin. Also called: Dysferlinopathy; Qualitative or quantitative defects of dysferlin. Identifiers: Orphanet 207073, MedGen C2931687, MONDO:0016145.

Submission:

Labcorp Genetics (formerly Invitae), Labcorp
Classification: Uncertain significance for Neuromuscular disease caused by qualitative or quantitative defects of dysferlin. Last evaluated: 2022-02-04. Review status: criteria provided, single submitter. Criteria: Invitae Variant Classification Sherloc (09022015). Collection method: clinical testing. Allele origin: germline.
Comment: This sequence change replaces asparagine, which is neutral and polar, with aspartic acid, which is acidic and polar, at codon 1866 of the DYSF protein (p.Asn1866Asp). This variant is not present in population databases (gnomAD no frequency). This variant has not been reported in the literature in individuals affected with DYSF-related conditions. ClinVar contains an entry for this variant (Variation ID: 1056552). Advanced modeling of protein sequence and biophysical properties (such as structural, functional, and spatial information, amino acid conservation, physicochemical variation, residue mobility, and thermodynamic stability) performed at Invitae indicates that this missense variant is not expected to disrupt DYSF protein function. In summary, the available evidence is currently insufficient to determine the role of this variant in disease. Therefore, it has been classified as a Variant of Uncertain Significance.